The following is an entry in ClinVar:

ClinVar aggregate classification (germline): Uncertain significance. Review status: criteria provided, multiple submitters, no conflicts (2 of 4 stars). 2 submissions from 2 submitters: Uncertain significance (2). Last evaluated 2024-12-03.

Conditions:
Short-rib thoracic dysplasia 10 with or without polydactyly (SRTD10). Identifiers: Orphanet 474, MedGen C3810175, MONDO:0014284, OMIM 615630.
Bardet-Biedl syndrome 20. Identifiers: MedGen C4310707, MONDO:0023670, OMIM 619471, MONDO:0014926.
Retinitis pigmentosa 71 (RP71). Identifiers: Orphanet 791, MedGen C4225342, MONDO:0014618, OMIM 616394.
IFT172-related disorder. Also called: IFT172-related disorders; IFT172-related condition.

Submissions (2):

PreventionGenetics, part of Exact Sciences
Classification: Uncertain significance for IFT172-related condition. Last evaluated: 2024-12-03. Review status: criteria provided, single submitter. Criteria: ACMG Guidelines, 2015. Collection method: clinical testing. Allele origin: germline.
Comment: The IFT172 c.929T>C variant is predicted to result in the amino acid substitution p.Val310Ala. To our knowledge, this variant has not been reported in the literature. This variant is reported in 0.0058% of alleles in individuals of Latino descent in gnomAD. At this time, the clinical significance of this variant is uncertain due to the absence of conclusive functional and genetic evidence.

Fulgent Genetics
Classification: Uncertain significance for Short-rib thoracic dysplasia 10 with or without polydactyly; Retinitis pigmentosa 71; Bardet-Biedl syndrome 20. Last evaluated: 2024-05-21. Review status: criteria provided, single submitter. Criteria: ACMG Guidelines, 2015. Collection method: clinical testing. Allele origin: germline.

NM_015662.3(IFT172):c.929T>C (p.Val310Ala)

Gene: IFT172 (intraflagellar transport 172; minus strand). Cytogenetic location: 2p23.3.
Variant type: single nucleotide variant.
Coding change: c.929T>C on transcript NM_015662.3 (MANE Select); coding-DNA position 929, T replaced by C.
Protein change: p.Val310Ala; replaces valine 310 with alanine.
Molecular consequence: missense variant.
Genome position (GRCh38, 1-based): chr2:27,479,585, A>G on the plus strand (T>C on the coding strand, the complement: IFT172 is on the minus strand). VCF-style: chr2-27479585-A-G. GRCh37 (hg19) VCF-style: chr2-27702452-A-G.
Other names: c.929T>C (NM_015662.2); c.929T>C, p.Val310Ala (NM_001410739.1); short protein forms V310A.
Identifiers: ClinVar variation 3586369 (VCV003586369.2).
Genomic context (GRCh38, chr2:27,479,585, plus strand): 5'-TACGTCAACTCAAACTTGTTCTTGTAAATACTCCTTCGGAGGCAGCAGTCAAACTGTTCC[A>G]CCCCACCACATAGTGTGCCCTAGAAGGGAAAGTGACAGCATAAAAGGTCACACACATAGT-3'
Protein context (NP_056477.1, residues 300-320): RLCVGTLCGG[Val310Ala]EQFDCCLRRS